The following is an entry in ClinVar:

ClinVar aggregate classification (germline): Benign. Review status: criteria provided, multiple submitters, no conflicts (2 of 4 stars). 10 submissions from 9 submitters: Benign (8). 2 of the submissions do not count toward it. Last evaluated 2026-02-04.

Conditions:
MYPN-related myopathy (CMYO24). Also called: Nemaline myopathy 11, autosomal recessive. Identifiers: MedGen C4479186, MONDO:0015023, OMIM 617336.
Dilated cardiomyopathy 1KK (CMD1KK). Identifiers: Orphanet 154, Orphanet 75249, MedGen C3714995, MONDO:0014100, OMIM 615248.

Allele frequency attached by ClinVar (database versions not stated): TOPMed 0.97900; gnomAD 0.98057 and 0.98192; 1000 Genomes Project 30x 0.98095; ESP Exome Variant Server 0.98216; 1000 Genomes Project 0.98243; ExAC 0.99385; gnomAD exomes 0.99477 and 0.99791.
gnomAD v4.1: 1,607,984 of 1,613,918 alleles (100%); highest among the groups gnomAD compares: East Asian, 100%; 801,180 homozygotes.

Submissions (10):

Labcorp Genetics (formerly Invitae), Labcorp
Classification: Benign for Dilated cardiomyopathy 1KK. Last evaluated: 2026-02-04. Review status: criteria provided, single submitter. Criteria: Invitae Variant Classification Sherloc (09022015). Collection method: clinical testing. Allele origin: germline.

Blueprint Genetics
Classification: Benign. Last evaluated: 2024-11-27. Review status: criteria provided, single submitter. Criteria: ACMG Guidelines, 2015. Collection method: clinical testing. Allele origin: germline.

Women's Health and Genetics/Laboratory Corporation of America, LabCorp
Classification: Benign. Last evaluated: 2023-04-04. Review status: criteria provided, single submitter. Criteria: LabCorp Variant Classification Summary - May 2015. Collection method: clinical testing. Allele origin: germline.

Genome-Nilou Lab
Classification: Benign for Dilated cardiomyopathy 1KK. Last evaluated: 2021-09-05. Review status: criteria provided, single submitter. Criteria: ACMG Guidelines, 2015. Collection method: clinical testing. Allele origin: germline. Affected: no.

Genome-Nilou Lab
Classification: Benign for MYPN-related myopathy. Last evaluated: 2021-09-05. Review status: criteria provided, single submitter. Criteria: ACMG Guidelines, 2015. Collection method: clinical testing. Allele origin: germline. Affected: no.

Clinical Genetics DNA and cytogenetics Diagnostics Lab, Erasmus MC, Erasmus Medical Center
Classification: Benign for Dilated cardiomyopathy 1KK. Last evaluated: 2015-09-21. Review status: criteria provided, single submitter. Criteria: ACGS Guidelines, 2013. Collection method: clinical testing. Allele origin: germline. Affected: yes. Study: VKGL Data-share Consensus.

GeneDx
Classification: Benign. Last evaluated: 2013-11-22. Review status: criteria provided, single submitter. Criteria: GeneDx Variant Classification (06012015). Collection method: clinical testing. Allele origin: germline. Affected: yes.
Comment: This variant is considered likely benign or benign based on one or more of the following criteria: it is a conservative change, it occurs at a poorly conserved position in the protein, it is predicted to be benign by multiple in silico algorithms, and/or has population frequency not consistent with disease.

Breakthrough Genomics
Classification: Benign. Review status: criteria provided, single submitter. Criteria: ACMG Guidelines, 2015. Collection method: not provided. Allele origin: germline. Inheritance: Autosomal recessive inheritance. Affected: yes.

Clinical Genetics, Academic Medical Center
Classification: Benign. Review status: no assertion criteria provided. Collection method: clinical testing. Allele origin: germline. Affected: yes. Study: VKGL Data-share Consensus. Not counted in ClinVar's aggregate classification.

Diagnostic Laboratory, Department of Genetics, University Medical Center Groningen
Classification: Benign for Dilated cardiomyopathy 1KK. Review status: no assertion criteria provided. Collection method: clinical testing. Allele origin: germline. Affected: yes. Study: VKGL Data-share Consensus. Not counted in ClinVar's aggregate classification.

NM_032578.4(MYPN):c.2703+17T>C

Gene: MYPN (myopalladin; plus strand). Cytogenetic location: 10q21.3.
Variant type: single nucleotide variant.
Coding change: c.2703+17T>C on transcript NM_032578.4 (MANE Select); 17 bases into the intron after coding-DNA position 2703, T replaced by C.
Molecular consequence: intron variant.
Genome position (GRCh38, 1-based): chr10:68,175,478, T>C. VCF-style: chr10-68175478-T-C. GRCh37 (hg19) VCF-style: chr10-69935235-T-C.
Other names: c.2703+17T>C (NM_001256267.2); c.1821+17T>C (NM_001256268.2).
Identifiers: ClinVar variation 138419 (VCV000138419.16), dbSNP rs6480306, ClinGen allele CA333120.